The following is an entry in ClinVar:

ClinVar aggregate classification (germline): Likely benign. Review status: criteria provided, multiple submitters, no conflicts (2 of 4 stars). 6 submissions from 6 submitters: Likely benign (5). 1 of the submissions does not count toward it. Last evaluated 2026-08-01.

Conditions:
SMAD3-related disorder. Also called: SMAD3-related condition.
Aneurysm-osteoarthritis syndrome. Also called: LOEYS-DIETZ SYNDROME WITH OSTEOARTHRITIS; Loeys-Dietz syndrome, type 1C; ANEURYSMS-OSTEOARTHRITIS SYNDROME; SMAD3-Related Loeys-Dietz Syndrome. Identifiers: Orphanet 284984, MedGen C3151087, MONDO:0013426, OMIM 613795.
Familial thoracic aortic aneurysm and aortic dissection (TAAD). Also called: Thoracic aortic aneurysms and dissections. Identifiers: Orphanet 91387, MedGen C4707243, MONDO:0019625.

Allele frequency attached by ClinVar (database versions not stated): TOPMed 0.00001; gnomAD exomes 0.00004 and 0.00005; ExAC 0.00006.
gnomAD v4.1: 25 of 1,614,052 alleles (0.0015%); highest among the groups gnomAD compares: Admixed American, 0.018%; no homozygotes.

Submissions (6):

CeGaT Center for Human Genetics Tuebingen
Classification: Likely benign. Last evaluated: 2026-08-01. Review status: criteria provided, single submitter. Criteria: CeGaT Center For Human Genetics Tuebingen Variant Classification Criteria Version 2. Collection method: clinical testing. Allele origin: germline. Affected: yes. Observed: 2 variant alleles.
Comment: SMAD3: BP4, BP7

Labcorp Genetics (formerly Invitae), Labcorp
Classification: Likely benign for Familial thoracic aortic aneurysm and aortic dissection. Last evaluated: 2025-08-21. Review status: criteria provided, single submitter. Criteria: Invitae Variant Classification Sherloc (09022015). Collection method: clinical testing. Allele origin: germline.

All of Us Research Program, National Institutes of Health
Classification: Likely benign for Aneurysm-osteoarthritis syndrome. Last evaluated: 2024-08-06. Review status: criteria provided, single submitter. Criteria: ACMG Guidelines, 2015. Collection method: clinical testing. Allele origin: germline. Inheritance: Autosomal dominant inheritance. Observed: 7 variant alleles, 7 heterozygotes.
Comment: This study involves interpretation of variants in research participants for the purpose of population health screening. Participant phenotype was not available at the time of variant classification. Additional details can be found in publication PMID: 35346344, PMCID: PMC8962531

Ambry Genetics
Classification: Likely benign for Familial thoracic aortic aneurysm and aortic dissection. Last evaluated: 2021-01-27. Review status: criteria provided, single submitter. Criteria: Ambry Variant Classification Scheme 2023. Collection method: clinical testing. Allele origin: germline.

Color Diagnostics, LLC DBA Color Health
Classification: Likely benign for Familial thoracic aortic aneurysm and aortic dissection. Last evaluated: 2019-11-24. Review status: criteria provided, single submitter. Criteria: ACMG Guidelines, 2015. Collection method: clinical testing. Allele origin: germline.

PreventionGenetics, part of Exact Sciences
Classification: Likely benign for SMAD3-related condition. Last evaluated: 2023-07-17. Review status: no assertion criteria provided. Collection method: clinical testing. Allele origin: germline. Not counted in ClinVar's aggregate classification.
Comment: This variant is classified as likely benign based on ACMG/AMP sequence variant interpretation guidelines (Richards et al. 2015 PMID: 25741868, with internal and published modifications).

NM_005902.4(SMAD3):c.354C>T (p.Asp118=)

Gene: SMAD3 (SMAD family member 3; plus strand). Cytogenetic location: 15q22.33.
Variant type: single nucleotide variant.
Coding change: c.354C>T on transcript NM_005902.4 (MANE Select); coding-DNA position 354, C replaced by T.
Protein change: p.Asp118=; no amino-acid change (aspartic acid 118 retained).
Molecular consequence: synonymous variant.
Genome position (GRCh38, 1-based): chr15:67,165,042, C>T. VCF-style: chr15-67165042-C-T. GRCh37 (hg19) VCF-style: chr15-67457380-C-T.
Other names: c.39C>T, p.Asp13= (NM_001145102.2); c.222C>T, p.Asp74= (NM_001145103.2).
Identifiers: ClinVar variation 925550 (VCV000925550.16), dbSNP rs752196822, ClinGen allele CA062149.
Genomic context (GRCh38, chr15:67,165,042, plus strand): 5'-CAGCCACCACGAGCTACGGGCCATGGAGCTGTGTGAGTTCGCCTTCAATATGAAGAAGGA[C>T]GAGGTCTGCGTGAATCCCTACCACTACCAGAGAGTAGAGACACCAGGTATGCTGCCTGGC-3'
Protein context (NP_005893.1, residues 108-128): LCEFAFNMKK[Asp118=]EVCVNPYHYQ